The following is an entry in ClinVar:

ClinVar aggregate classification (germline): Uncertain significance. Review status: criteria provided, multiple submitters, no conflicts (2 of 4 stars). 2 submissions from 2 submitters: Uncertain significance (2). Last evaluated 2024-02-23.

Conditions:
Emery-Dreifuss muscular dystrophy 4, autosomal dominant (EDMD4). Also called: EMERY-DREIFUSS MUSCULAR DYSTROPHY 4 WITH VARIABLE FEATURES. Identifiers: Orphanet 261, MedGen C2751807, MONDO:0013071, OMIM 612998.
Autosomal recessive ataxia, Beauce type. Also called: SYNE1 Deficiency; Spinocerebellar ataxia, autosomal recessive 8; ATAXIA, RECESSIVE, OF BEAUCE; SYNE1-Related Autosomal Recessive Cerebellar Ataxia. Identifiers: Orphanet 88644, MedGen C1853116, MONDO:0012549, OMIM 610743.

Allele frequency attached by ClinVar (database versions not stated): gnomAD exomes below 0.00001; TOPMed 0.00002.
gnomAD v4.1: 6 of 1,614,156 alleles (0.00037%); highest among the groups gnomAD compares: Non-Finnish European, 0.00051%; no homozygotes.

Submissions (2):

Labcorp Genetics (formerly Invitae), Labcorp
Classification: Uncertain significance for Emery-Dreifuss muscular dystrophy 4, autosomal dominant; Autosomal recessive ataxia, Beauce type. Last evaluated: 2024-02-23. Review status: criteria provided, single submitter. Criteria: Invitae Variant Classification Sherloc (09022015). Collection method: clinical testing. Allele origin: germline.
Comment: This sequence change replaces isoleucine, which is neutral and non-polar, with valine, which is neutral and non-polar, at codon 8521 of the SYNE1 protein (p.Ile8521Val). This variant is present in population databases (no rsID available, gnomAD 0.0009%). This variant has not been reported in the literature in individuals affected with SYNE1-related conditions. ClinVar contains an entry for this variant (Variation ID: 501776). An algorithm developed to predict the effect of missense changes on protein structure and function (PolyPhen-2) suggests that this variant is likely to be disruptive. In summary, the available evidence is currently insufficient to determine the role of this variant in disease. Therefore, it has been classified as a Variant of Uncertain Significance.

Eurofins Ntd Llc (ga)
Classification: Uncertain significance. Last evaluated: 2017-05-02. Review status: criteria provided, single submitter. Criteria: EGL Classification Definitions 2015. Collection method: clinical testing. Allele origin: germline. Observed: 1 variant allele, 1 heterozygote.

NM_182961.4(SYNE1):c.25705A>G (p.Ile8569Val)

Gene: SYNE1 (spectrin repeat containing nuclear envelope protein 1; minus strand). Cytogenetic location: 6q25.2.
Variant type: single nucleotide variant.
Coding change: c.25705A>G on transcript NM_182961.4 (MANE Select); coding-DNA position 25705, A replaced by G.
Protein change: p.Ile8569Val; replaces isoleucine 8569 with valine.
Molecular consequence: missense variant.
Genome position (GRCh38, 1-based): chr6:152,135,187, T>C on the plus strand (A>G on the coding strand, the complement: SYNE1 is on the minus strand). VCF-style: chr6-152135187-T-C. GRCh37 (hg19) VCF-style: chr6-152456322-T-C.
Other names: c.2311A>G, p.Ile771Val (NM_001347701.2); c.2239A>G, p.Ile747Val (NM_001347702.2); c.25561A>G, p.Ile8521Val (NM_033071.5); short protein forms I8521V, I8569V, I747V, I771V.
Identifiers: ClinVar variation 501776 (VCV000501776.12), dbSNP rs1260198851, ClinGen allele CA366078651.